The following is an entry in ClinVar:

ClinVar aggregate classification (germline): Uncertain significance (1 of 4 stars; one submission).

Allele frequency attached by ClinVar (database versions not stated): gnomAD 0.00001; gnomAD exomes 0.00001; TOPMed 0.00002; ExAC 0.00004.
gnomAD v4.1: 14 of 1,613,880 alleles (0.00087%); highest among the groups gnomAD compares: Admixed American, 0.022%; no homozygotes.

Submission:

Labcorp Genetics (formerly Invitae), Labcorp
Classification: Uncertain significance. Last evaluated: 2022-08-03. Review status: criteria provided, single submitter. Criteria: Invitae Variant Classification Sherloc (09022015). Collection method: clinical testing. Allele origin: germline.
Comment: In summary, the available evidence is currently insufficient to determine the role of this variant in disease. Therefore, it has been classified as a Variant of Uncertain Significance. Algorithms developed to predict the effect of missense changes on protein structure and function (SIFT, PolyPhen-2, Align-GVGD) all suggest that this variant is likely to be disruptive. This variant has not been reported in the literature in individuals affected with EXOSC9-related conditions. This variant is present in population databases (rs756076978, gnomAD 0.02%). This sequence change replaces asparagine, which is neutral and polar, with serine, which is neutral and polar, at codon 226 of the EXOSC9 protein (p.Asn226Ser).

NM_005033.3(EXOSC9):c.677A>G (p.Asn226Ser)

Gene: EXOSC9 (exosome component 9; plus strand). Cytogenetic location: 4q27.
Variant type: single nucleotide variant.
Coding change: c.677A>G on transcript NM_005033.3 (MANE Select); coding-DNA position 677, A replaced by G.
Protein change: p.Asn226Ser; replaces asparagine 226 with serine.
Molecular consequence: missense variant.
Genome position (GRCh38, 1-based): chr4:121,810,038, A>G. VCF-style: chr4-121810038-A-G. GRCh37 (hg19) VCF-style: chr4-122731193-A-G.
Other names: c.677A>G, p.Asn226Ser (NM_001034194.2); short protein forms N226S.
Identifiers: ClinVar variation 1989955 (VCV001989955.4), dbSNP rs756076978, ClinGen allele CA3063490.
Genomic context (GRCh38, chr4:121,810,038, plus strand): 5'-TGGTGGATCCCAATGAACGAGAAGAACGTGTGATGGATGGCTTGCTGGTGATTGCCATGA[A>G]CAAACATCGAGAGATTTGTACTATCCAGTCCAGTGGTGGGATAATGCTACTAAAAGATCA-3'
Protein context (NP_005024.2, residues 216-236): VMDGLLVIAM[Asn226Ser]KHREICTIQS